The following is an entry in ClinVar:

ClinVar aggregate classification (germline): Uncertain significance (1 of 4 stars; one submission).

Conditions:
SCAPER-related disorder. Also called: SCAPER-related condition.

gnomAD v4.1: 2 of 1,613,910 alleles (0.00012%); highest among the groups gnomAD compares: African/African-American, 0.0013%; no homozygotes.

Submission:

PreventionGenetics, part of Exact Sciences
Classification: Uncertain significance for SCAPER-related condition. Last evaluated: 2025-10-27. Review status: criteria provided, single submitter. Criteria: ACMG Guidelines, 2015. Collection method: clinical testing. Allele origin: germline.
Comment: The SCAPER c.3826G>A variant is predicted to result in the amino acid substitution p.Val1276Ile. To our knowledge, this variant has not been reported in the literature. This variant is reported in 0.011% of alleles in individuals of African descent in gnomAD. At this time, the clinical significance of this variant is uncertain due to the absence of conclusive functional and genetic evidence.

NM_020843.4(SCAPER):c.3808G>A (p.Val1270Ile)

Gene: SCAPER (S-phase cyclin A associated protein in the ER; minus strand). Cytogenetic location: 15q24.3.
Variant type: single nucleotide variant.
Coding change: c.3808G>A on transcript NM_020843.4 (MANE Select); coding-DNA position 3808, G replaced by A.
Protein change: p.Val1270Ile; replaces valine 1270 with isoleucine.
Molecular consequence: missense variant. On other transcripts: non-coding transcript variant (1).
Genome position (GRCh38, 1-based): chr15:76,376,209, C>T on the plus strand (G>A on the coding strand, the complement: SCAPER is on the minus strand). VCF-style: chr15-76376209-C-T. GRCh37 (hg19) VCF-style: chr15-76668550-C-T.
Other names: c.3070G>A, p.Val1024Ile (NM_001145923.2); c.3826G>A, p.Val1276Ile (NM_001353009.2); c.3406G>A, p.Val1136Ile (NM_001353010.2, NM_001353012.2); c.3424G>A, p.Val1142Ile (NM_001353011.2); short protein forms V1270I, V1142I, V1276I, V1024I, V1136I.
Identifiers: ClinVar variation 4981122 (VCV004981122.1).